The following is an entry in ClinVar:

ClinVar aggregate classification (germline): Uncertain significance (1 of 4 stars; one submission).

Conditions:
Retinitis pigmentosa 71 (RP71). Identifiers: Orphanet 791, MedGen C4225342, MONDO:0014618, OMIM 616394.
Short-rib thoracic dysplasia 10 with or without polydactyly (SRTD10). Identifiers: Orphanet 474, MedGen C3810175, MONDO:0014284, OMIM 615630.

Submission:

Labcorp Genetics (formerly Invitae), Labcorp
Classification: Uncertain significance for Retinitis pigmentosa 71; Short-rib thoracic dysplasia 10 with or without polydactyly. Last evaluated: 2021-06-04. Review status: criteria provided, single submitter. Criteria: Invitae Variant Classification Sherloc (09022015). Collection method: clinical testing. Allele origin: germline.
Comment: In summary, the available evidence is currently insufficient to determine the role of this variant in disease. Therefore, it has been classified as a Variant of Uncertain Significance. Experimental studies and prediction algorithms are not available or were not evaluated, and the functional significance of this variant is currently unknown. This variant has not been reported in the literature in individuals with IFT172-related conditions. This variant is not present in population databases (ExAC no frequency). This variant, c.2309_2311dup, results in the insertion of 1 amino acid(s) to the IFT172 protein (p.Ile770dup), but otherwise preserves the integrity of the reading frame.

NM_015662.3(IFT172):c.2309_2311dup (p.Ile770dup)

Gene: IFT172 (intraflagellar transport 172; minus strand). Cytogenetic location: 2p23.3.
Variant type: Duplication.
Coding change: c.2309_2311dup on transcript NM_015662.3 (MANE Select); coding-DNA positions 2309 to 2311, 3 bases duplicated (TCA; older notation c.2309_2311dupTCA).
Protein change: p.Ile770dup; duplicates isoleucine 770.
Molecular consequence: inframe insertion.
Genome position (GRCh38, 1-based): chr2:27,461,400-27,461,402, TGA duplicated on the plus strand (TCA on the coding strand, the reverse complement: IFT172 is on the minus strand); duplicating any 3 consecutive bases within chr2:27,461,400-27,461,404 gives the same sequence; the c. name uses the placement nearest the transcript's 3' end. VCF-style (leftmost placement, unchanged base first): chr2-27461399-C-CTGA. GRCh37 (hg19) VCF-style: chr2-27684266-C-CTGA.
Identifiers: ClinVar variation 1431489 (VCV001431489.6), dbSNP rs1239784714, ClinGen allele CA767384845.